The following is an entry in ClinVar:

ClinVar aggregate classification (germline): Uncertain significance (1 of 4 stars; one submission).

gnomAD v4.1: 7 of 1,613,854 alleles (0.00043%); highest among the groups gnomAD compares: Non-Finnish European, 0.00059%; no homozygotes.

Submission:

Labcorp Genetics (formerly Invitae), Labcorp
Classification: Uncertain significance. Last evaluated: 2025-06-09. Review status: criteria provided, single submitter. Criteria: Invitae Variant Classification Sherloc (09022015). Collection method: clinical testing. Allele origin: germline.
Comment: This sequence change replaces leucine, which is neutral and non-polar, with glutamine, which is neutral and polar, at codon 1275 of the POLR1A protein (p.Leu1275Gln). This variant is present in population databases (rs781408970, gnomAD 0.002%). This variant has not been reported in the literature in individuals affected with POLR1A-related conditions. ClinVar contains an entry for this variant (Variation ID: 3687332). Invitae Evidence Modeling of protein sequence and biophysical properties (such as structural, functional, and spatial information, amino acid conservation, physicochemical variation, residue mobility, and thermodynamic stability) indicates that this missense variant is not expected to disrupt POLR1A protein function with a negative predictive value of 80%. In summary, the available evidence is currently insufficient to determine the role of this variant in disease. Therefore, it has been classified as a Variant of Uncertain Significance.

NM_015425.6(POLR1A):c.3824T>A (p.Leu1275Gln)

Genes: POLR1A (RNA polymerase I subunit A; minus strand), LOC106783498 (conserved acetylation island sequence 34 enhancer; plus strand). Cytogenetic location: 2p11.2.
Variant type: single nucleotide variant.
Coding change: c.3824T>A on transcript NM_015425.6 (MANE Select); coding-DNA position 3824, T replaced by A.
Protein change: p.Leu1275Gln; replaces leucine 1275 with glutamine.
Molecular consequence: missense variant.
Genome position (GRCh38, 1-based): chr2:86,039,379, A>T on the plus strand (T>A on the coding strand, the complement: POLR1A is on the minus strand). VCF-style: chr2-86039379-A-T. GRCh37 (hg19) VCF-style: chr2-86266502-A-T.
Other names: short protein forms L1275Q.
Identifiers: ClinVar variation 3687332 (VCV003687332.2).
Genomic context (GRCh38, chr2:86,039,379, plus strand): 5'-GACGTTACCTCCCCCAAGCACACCCTGGTGAGTTGCTTCTTCAGGCTTTTCACTCTCTTC[A>T]GGGCTTTCTTGGTGTTGAGCACGGGCACGCTCATCATGGGTGTCTTGATGTTGGCGCTGG-3'
Protein context (NP_056240.2, residues 1265-1285): SVPVLNTKKA[Leu1275Gln]KRVKSLKKQL